The following is an entry in ClinVar:

NM_001080449.3(DNA2):c.2494A>G (p.Lys832Glu)

Gene: DNA2 (DNA replication helicase/nuclease 2; minus strand). Cytogenetic location: 10q21.3.
Variant type: single nucleotide variant.
Coding change: c.2494A>G on transcript NM_001080449.3 (MANE Select); coding-DNA position 2494, A replaced by G.
Protein change: p.Lys832Glu; replaces lysine 832 with glutamic acid.
Molecular consequence: missense variant. On other transcripts: non-coding transcript variant (1).
Genome position (GRCh38, 1-based): chr10:68,422,428, T>C on the plus strand (A>G on the coding strand, the complement: DNA2 is on the minus strand). VCF-style: chr10-68422428-T-C. GRCh37 (hg19) VCF-style: chr10-70182185-T-C.
Other names: short protein forms K832E.
Identifiers: ClinVar variation 1970307 (VCV001970307.13), dbSNP rs563046954, ClinGen allele CA5524791.

ClinVar aggregate classification (germline): Conflicting classifications of pathogenicity. Review status: criteria provided, conflicting classifications (1 of 4 stars). 3 submissions from 3 submitters: Uncertain significance (2); Likely benign (1). Last evaluated 2026-01-26.

Conditions:
Inborn genetic diseases. Identifiers: MedGen C0950123, MeSH D030342.

Allele frequency attached by ClinVar (database versions not stated): TOPMed below 0.00001; gnomAD exomes 0.00002; gnomAD 0.00004; ExAC 0.00008; 1000 Genomes Project 0.00040; 1000 Genomes Project 30x 0.00047.
gnomAD v4.1: 47 of 1,613,348 alleles (0.0029%); highest among the groups gnomAD compares: East Asian, 0.027%; 2 homozygotes.

Submissions (3):

Labcorp Genetics (formerly Invitae), Labcorp
Classification: Uncertain significance. Last evaluated: 2026-01-26. Review status: criteria provided, single submitter. Criteria: Invitae Variant Classification Sherloc (09022015). Collection method: clinical testing. Allele origin: germline.
Comment: This sequence change replaces lysine, which is basic and polar, with glutamic acid, which is acidic and polar, at codon 832 of the DNA2 protein (p.Lys832Glu). This variant is present in population databases (rs563046954, gnomAD 0.09%). This variant has not been reported in the literature in individuals affected with DNA2-related conditions. ClinVar contains an entry for this variant (Variation ID: 1970307). An algorithm developed to predict the effect of missense changes on protein structure and function (PolyPhen-2) suggests that this variant is likely to be tolerated. In summary, the available evidence is currently insufficient to determine the role of this variant in disease. Therefore, it has been classified as a Variant of Uncertain Significance.

CeGaT Center for Human Genetics Tuebingen
Classification: Likely benign. Last evaluated: 2025-09-01. Review status: criteria provided, single submitter. Criteria: CeGaT Center For Human Genetics Tuebingen Variant Classification Criteria Version 2. Collection method: clinical testing. Allele origin: germline. Affected: yes. Observed: 1 variant allele.
Comment: DNA2: BP4

Ambry Genetics
Classification: Uncertain significance for Inborn genetic diseases. Last evaluated: 2022-03-30. Review status: criteria provided, single submitter. Criteria: Ambry Variant Classification Scheme 2023. Collection method: clinical testing. Allele origin: germline.